The following is an entry in ClinVar:

NC_012920.1(MT-ND1):m.3640G>A

Gene: MT-ND1 (mitochondrially encoded NADH dehydrogenase 1; plus strand).
Variant type: single nucleotide variant.
Genome position: chrM-3640-G-A.
Identifiers: ClinVar variation 692380 (VCV000692380.1), dbSNP rs1603219059, ClinGen allele CA414773197.

ClinVar aggregate classification (germline): Likely benign (1 of 4 stars; one submission).

Conditions:
Leigh syndrome (NULS). Also called: Leigh's necrotizing encephalopathy; Leigh's disease; Leigh Syndrome (mtDNA deletion); Leigh Disease; Subacute necrotizing encephalopathy; Necrotizing encephalopathy infantile subacute of Leigh. Identifiers: Orphanet 506, MedGen C2931891, MONDO:0009723, OMIM 256000.

Submission:

Wong Mito Lab, Molecular and Human Genetics, Baylor College of Medicine
Classification: Likely benign for Leigh syndrome. Last evaluated: 2019-10-17. Review status: criteria provided, single submitter. Criteria: Modified ACMG Guidelines (Unpublished). Collection method: clinical testing. Allele origin: germline.
Comment: The NC_012920.1:m.3640G>A (YP_003024026.1:p.Ala112Thr) variant in MTND1 gene is interpretated to be a Likely Benign variant based on the modified ACMG guidelines (unpublished). This variant meets the following evidence codes: BP4, BP6